The following is an entry in ClinVar:

ClinVar aggregate classification (germline): Uncertain significance. Review status: criteria provided, multiple submitters, no conflicts (2 of 4 stars). 2 submissions from 2 submitters: Uncertain significance (2). Last evaluated 2025-06-08.

Conditions:
Long QT syndrome (LQTS). Identifiers: MedGen C0023976, MeSH D008133, MONDO:0002442. Disease mechanism: loss of function. Inheritance: Various modes of inheritance.

Submissions (2):

Dasa
Classification: Uncertain significance. Last evaluated: 2025-06-08. Review status: criteria provided, single submitter. Criteria: DASA Assertion Criteria. Collection method: clinical testing. Allele origin: germline.
Comment: NM_000719.7(CACNA1C):c.2961-3C>T is a splice-region variant predicted to affect normal RNA splicing. This variant is absent from population databases. The currently available literature and clinical evidence are not sufficient to establish a definitive association between this variant and the reported condition. Therefore, this variant is classified as a variant of uncertain significance.

Labcorp Genetics (formerly Invitae), Labcorp
Classification: Uncertain significance for Long QT syndrome. Last evaluated: 2023-05-14. Review status: criteria provided, single submitter. Criteria: Invitae Variant Classification Sherloc (09022015). Collection method: clinical testing. Allele origin: germline.
Comment: In summary, the available evidence is currently insufficient to determine the role of this variant in disease. Therefore, it has been classified as a Variant of Uncertain Significance. Variants that disrupt the consensus splice site are a relatively common cause of aberrant splicing (PMID: 17576681, 9536098). Algorithms developed to predict the effect of sequence changes on RNA splicing suggest that this variant may disrupt the consensus splice site. ClinVar contains an entry for this variant (Variation ID: 2091291). This variant has not been reported in the literature in individuals affected with CACNA1C-related conditions. This variant is not present in population databases (gnomAD no frequency). This sequence change falls in intron 22 of the CACNA1C gene. It does not directly change the encoded amino acid sequence of the CACNA1C protein. It affects a nucleotide within the consensus splice site.

Literature cited by the submitters: PubMed 17576681 (cited by Labcorp Genetics (formerly Invitae), Labcorp); PubMed 9536098 (cited by Labcorp Genetics (formerly Invitae), Labcorp).

NM_000719.7(CACNA1C):c.2961-3C>T

Gene: CACNA1C (calcium voltage-gated channel subunit alpha1 C; plus strand). Cytogenetic location: 12p13.33.
Variant type: single nucleotide variant.
Coding change: c.2961-3C>T on transcript NM_000719.7 (MANE Select); 3 bases into the intron before coding-DNA position 2961, C replaced by T.
Molecular consequence: intron variant.
Genome position (GRCh38, 1-based): chr12:2,605,078, C>T. VCF-style: chr12-2605078-C-T. GRCh37 (hg19) VCF-style: chr12-2714244-C-T.
Other names: c.2961-3C>T (NM_001167624.3, NM_001167623.2, NM_001167625.2 and 15 more transcripts); c.3021-3C>T (NM_199460.4, NM_001129827.2, NM_001129832.2); c.2952-3C>T (NM_001129844.2).
Identifiers: ClinVar variation 2091291 (VCV002091291.6), dbSNP rs2518041692, ClinGen allele CA2580085109.